The following is an entry in ClinVar:

ClinVar aggregate classification (germline): Uncertain significance. Review status: criteria provided, multiple submitters, no conflicts (2 of 4 stars). 4 submissions from 4 submitters: Uncertain significance (3). 1 of the submissions does not count toward it. Last evaluated 2025-09-07.

Conditions:
Hereditary nonpolyposis colorectal neoplasms. Identifiers: MedGen C0009405, MeSH D003123.
Lynch syndrome. Identifiers: Orphanet 144, MedGen C4552100, MONDO:0005835. Disease mechanism: loss of function.
Hereditary cancer-predisposing syndrome. Also called: Neoplastic Syndromes, Hereditary; Tumor predisposition; Hereditary Cancer Syndrome; Hereditary neoplastic syndrome. Identifiers: Orphanet 140162, MedGen C0027672, MeSH D009386, MONDO:0015356.
Lynch-like syndrome.

Allele frequency attached by ClinVar (database versions not stated): gnomAD exomes below 0.00001; TOPMed below 0.00001; gnomAD 0.00001.
gnomAD v4.1: 5 of 1,566,472 alleles (0.00032%); highest among the groups gnomAD compares: Non-Finnish European, 0.00044%; no homozygotes.

Submissions (4):

Labcorp Genetics (formerly Invitae), Labcorp
Classification: Uncertain significance for Hereditary nonpolyposis colorectal neoplasms. Last evaluated: 2025-09-07. Review status: criteria provided, single submitter. Criteria: Invitae Variant Classification Sherloc (09022015). Collection method: clinical testing. Allele origin: germline.
Comment: This sequence change replaces leucine, which is neutral and non-polar, with phenylalanine, which is neutral and non-polar, at codon 58 of the PMS2 protein (p.Leu58Phe). This variant is present in population databases (no rsID available, gnomAD 0.0009%). This variant has not been reported in the literature in individuals affected with PMS2-related conditions. ClinVar contains an entry for this variant (Variation ID: 819927). Invitae Evidence Modeling incorporating data from in vitro experimental studies (internal data) indicates that this missense variant is not expected to disrupt PMS2 function with a negative predictive value of 95%. In summary, the available evidence is currently insufficient to determine the role of this variant in disease. Therefore, it has been classified as a Variant of Uncertain Significance.

Ambry Genetics
Classification: Uncertain significance for Hereditary cancer-predisposing syndrome. Last evaluated: 2025-04-25. Review status: criteria provided, single submitter. Criteria: Ambry Variant Classification Scheme 2023. Collection method: clinical testing. Allele origin: germline.
Comment: The p.L58F variant (also known as c.172C>T), located in coding exon 3 of the PMS2 gene, results from a C to T substitution at nucleotide position 172. The leucine at codon 58 is replaced by phenylalanine, an amino acid with highly similar properties. This amino acid position is highly conserved in available vertebrate species. In addition, this alteration is predicted to be deleterious by in silico analysis. Based on the available evidence, the clinical significance of this variant remains unclear.

All of Us Research Program, National Institutes of Health
Classification: Uncertain significance for Lynch syndrome. Last evaluated: 2023-03-04. Review status: criteria provided, single submitter. Criteria: ACMG Guidelines, 2015. Collection method: clinical testing. Allele origin: germline. Inheritance: Autosomal dominant inheritance. Observed: 1 variant allele, 1 heterozygote.
Comment: This study involves interpretation of variants in research participants for the purpose of population health screening. Participant phenotype was not available at the time of variant classification. Additional details can be found in publication PMID: 35346344, PMCID: PMC8962531

Constitutional Genetics Lab, Leon Berard Cancer Center
Classification: Uncertain significance for Lynch-like syndrome. Last evaluated: 2019-07-01. Review status: no assertion criteria provided. Collection method: clinical testing. Allele origin: somatic. Affected: yes. Not counted in ClinVar's aggregate classification.

NM_000535.7(PMS2):c.172C>T (p.Leu58Phe)

Gene: PMS2 (PMS1 homolog 2, mismatch repair system component; minus strand). Cytogenetic location: 7p22.1.
Variant type: single nucleotide variant.
Coding change: c.172C>T on transcript NM_000535.7 (MANE Select); coding-DNA position 172, C replaced by T.
Protein change: p.Leu58Phe; replaces leucine 58 with phenylalanine.
Molecular consequence: missense variant. On other transcripts: 5 prime UTR variant (11), non-coding transcript variant (1).
Genome position (GRCh38, 1-based): chr7:6,004,050, G>A on the plus strand (C>T on the coding strand, the complement: PMS2 is on the minus strand). VCF-style: chr7-6004050-G-A. GRCh37 (hg19) VCF-style: chr7-6043681-G-A.
Other names: c.-234C>T (NM_001322003.2, NM_001322004.2, NM_001322005.2 and 3 more transcripts); c.172C>T, p.Leu58Phe (NM_001322006.2, NM_001322014.2); c.-44C>T (NM_001322007.2, NM_001322008.2); c.-713C>T (NM_001322011.2, NM_001322012.2); c.-313C>T (NM_001322015.2); short protein forms L58F.
Identifiers: ClinVar variation 819927 (VCV000819927.16), dbSNP rs1465172427, ClinGen allele CA366744919.